The following is an entry in ClinVar:

ClinVar aggregate classification (germline): Uncertain significance. Review status: criteria provided, single submitter (1 of 4 stars). 2 submissions from 2 submitters: Uncertain significance (1). 1 of the submissions does not count toward it. Last evaluated 2022-01-13.

Conditions:
Cohen syndrome (COH1). Also called: PEPPER SYNDROME; Cutis verticis gyrata, retinitis pigmentosa, and sensorineural deafness. Identifiers: Orphanet 193, MedGen C0265223, MONDO:0008999, OMIM 216550.

gnomAD v4.1: 10 of 1,613,956 alleles (0.00062%); highest among the groups gnomAD compares: African/African-American, 0.0013%; no homozygotes.

Submissions (2):

Labcorp Genetics (formerly Invitae), Labcorp
Classification: Uncertain significance for Cohen syndrome. Last evaluated: 2022-01-13. Review status: criteria provided, single submitter. Criteria: Invitae Variant Classification Sherloc (09022015). Collection method: clinical testing. Allele origin: germline.
Comment: This sequence change replaces methionine, which is neutral and non-polar, with valine, which is neutral and non-polar, at codon 2840 of the VPS13B protein (p.Met2840Val). This variant is present in population databases (no rsID available, gnomAD 0.0009%). This variant has not been reported in the literature in individuals affected with VPS13B-related conditions. ClinVar contains an entry for this variant (Variation ID: 1058461). Algorithms developed to predict the effect of missense changes on protein structure and function are either unavailable or do not agree on the potential impact of this missense change (SIFT: "Not Available"; PolyPhen-2: "Benign"; Align-GVGD: "Not Available"). In summary, the available evidence is currently insufficient to determine the role of this variant in disease. Therefore, it has been classified as a Variant of Uncertain Significance.

Natera, Inc.
Classification: Uncertain significance for Cohen syndrome. Last evaluated: 2020-04-16. Review status: no assertion criteria provided. Collection method: clinical testing. Allele origin: germline. Not counted in ClinVar's aggregate classification.

NM_152564.5(VPS13B):c.8443A>G (p.Met2815Val)

Gene: VPS13B (vacuolar protein sorting 13 homolog B; plus strand). Cytogenetic location: 8q22.2.
Variant type: single nucleotide variant.
Coding change: c.8443A>G on transcript NM_152564.5 (MANE Select); coding-DNA position 8443, A replaced by G.
Protein change: p.Met2815Val; replaces methionine 2815 with valine.
Molecular consequence: missense variant.
Genome position (GRCh38, 1-based): chr8:99,818,532, A>G. VCF-style: chr8-99818532-A-G. GRCh37 (hg19) VCF-style: chr8-100830760-A-G.
Other names: c.8518A>G, p.Met2840Val (NM_017890.5); short protein forms M2815V, M2840V.
Identifiers: ClinVar variation 1058461 (VCV001058461.7), dbSNP rs989835229, ClinGen allele CA182327993.